The following is an entry in ClinVar:

ClinVar aggregate classification (germline): Uncertain significance (1 of 4 stars; one submission).

Submission:

Labcorp Genetics (formerly Invitae), Labcorp
Classification: Uncertain significance. Last evaluated: 2025-10-03. Review status: criteria provided, single submitter. Criteria: Invitae Variant Classification Sherloc (09022015). Collection method: clinical testing. Allele origin: germline.
Comment: This sequence change replaces alanine, which is neutral and non-polar, with threonine, which is neutral and polar, at codon 427 of the BMP7 protein (p.Ala427Thr). This variant is not present in population databases (gnomAD no frequency). This variant has not been reported in the literature in individuals affected with BMP7-related conditions. An algorithm developed to predict the effect of missense changes on protein structure and function (PolyPhen-2) suggests that this variant is likely to be disruptive. In summary, the available evidence is currently insufficient to determine the role of this variant in disease. Therefore, it has been classified as a Variant of Uncertain Significance.

NM_001719.3(BMP7):c.1279G>A (p.Ala427Thr)

Gene: BMP7 (bone morphogenetic protein 7; minus strand). Cytogenetic location: 20q13.31.
Variant type: single nucleotide variant.
Coding change: c.1279G>A on transcript NM_001719.3 (MANE Select); coding-DNA position 1279, G replaced by A.
Protein change: p.Ala427Thr; replaces alanine 427 with threonine.
Molecular consequence: missense variant.
Genome position (GRCh38, 1-based): chr20:57,170,976, C>T on the plus strand (G>A on the coding strand, the complement: BMP7 is on the minus strand). VCF-style: chr20-57170976-C-T. GRCh37 (hg19) VCF-style: chr20-55746032-C-T.
Other names: short protein forms A427T.
Identifiers: ClinVar variation 4728445 (VCV004728445.1).